The following is an entry in ClinVar:

NM_001256627.2(BRSK2):c.1394C>T (p.Pro465Leu)

Gene: BRSK2 (BR serine/threonine kinase 2; plus strand). Cytogenetic location: 11p15.5.
Variant type: single nucleotide variant.
Coding change: c.1394C>T on transcript NM_001256627.2 (MANE Select); coding-DNA position 1394, C replaced by T.
Protein change: p.Pro465Leu; replaces proline 465 with leucine.
Molecular consequence: missense variant. On other transcripts: non-coding transcript variant (1).
Genome position (GRCh38, 1-based): chr11:1,450,693, C>T. VCF-style: chr11-1450693-C-T. GRCh37 (hg19) VCF-style: chr11-1471923-C-T.
Other names: c.1394C>T, p.Pro465Leu (NM_001256629.2, NM_003957.4); c.1532C>T, p.Pro511Leu (NM_001256630.1); c.1214C>T, p.Pro405Leu (NM_001282218.2); short protein forms P405L, P465L, P511L.
Identifiers: ClinVar variation 1304639 (VCV001304639.2), dbSNP rs1387186797, ClinGen allele CA379075177.
Genomic context (GRCh38, chr11:1,450,693, plus strand): 5'-AGGGGACACCTGTCCACACGCCAAAGGAGAGCCCGGCTGGCACGCCCAACCCCACGCCCC[C>T]GTCCAGCCCCAGCGTCGGAGGGGTGCCCTGGAGGGCGCGGCTCAACTCCATCAAGAACAG-3'
Protein context (NP_001243556.1, residues 455-475): SPAGTPNPTP[Pro465Leu]SSPSVGGVPW

ClinVar aggregate classification (germline): Uncertain significance (1 of 4 stars; one submission).

Allele frequency attached by ClinVar (database versions not stated): gnomAD exomes 0.00001.
gnomAD v4.1: 10 of 1,608,944 alleles (0.00062%); highest among the groups gnomAD compares: Admixed American, 0.0017%; no homozygotes.

Submission:

GeneDx
Classification: Uncertain significance. Last evaluated: 2019-10-17. Review status: criteria provided, single submitter. Criteria: GeneDx Variant Classification Process June 2021. Collection method: clinical testing. Allele origin: germline. Affected: yes.
Comment: In silico analysis, which includes protein predictors and evolutionary conservation, supports a deleterious effect; Has not been previously published as pathogenic or benign to our knowledge